The following is an entry in ClinVar:

NM_152383.5(DIS3L2):c.787del (p.Arg263fs)

Gene: DIS3L2 (DIS3 like 3'-5' exoribonuclease 2; plus strand). Cytogenetic location: 2q37.1.
Variant type: Deletion.
Coding change: c.787del on transcript NM_152383.5 (MANE Select); coding-DNA position 787, one base deleted (A; older notation c.787delA).
Protein change: p.Arg263fs; shifts the reading frame from arginine 263.
Molecular consequence: frameshift variant. On other transcripts: non-coding transcript variant (1).
Genome position (GRCh38, 1-based): chr2:232,136,556, A deleted. VCF-style (leftmost placement, unchanged base first): chr2-232136555-TA-T. GRCh37 (hg19) VCF-style: chr2-233001265-TA-T.
Other names: c.787del, p.Arg263fs (NM_001257281.2); short protein forms R263fs.
Identifiers: ClinVar variation 2699529 (VCV002699529.3), dbSNP rs2469848433, ClinGen allele CA2697550564.

ClinVar aggregate classification (germline): Pathogenic (1 of 4 stars; one submission).

Conditions:
Perlman syndrome (PRLMNS). Identifiers: Orphanet 2849, MedGen C0796113, MONDO:0009965, OMIM 267000.

Submission:

Labcorp Genetics (formerly Invitae), Labcorp
Classification: Pathogenic for Perlman syndrome. Last evaluated: 2023-06-09. Review status: criteria provided, single submitter. Criteria: Invitae Variant Classification Sherloc (09022015). Collection method: clinical testing. Allele origin: germline.
Comment: This sequence change creates a premature translational stop signal (p.Arg263Glyfs*75) in the DIS3L2 gene. It is expected to result in an absent or disrupted protein product. Loss-of-function variants in DIS3L2 are known to be pathogenic (PMID: 22306653, 28328139). For these reasons, this variant has been classified as Pathogenic. This variant has not been reported in the literature in individuals affected with DIS3L2-related conditions. This variant is not present in population databases (gnomAD no frequency).

Literature cited by the submitters: PubMed 22306653; PubMed 28328139.